The following is an entry in ClinVar:

NM_080680.3(COL11A2):c.5088G>A (p.Thr1696=)

Gene: COL11A2 (collagen type XI alpha 2 chain; minus strand). Cytogenetic location: 6p21.32.
Variant type: single nucleotide variant.
Coding change: c.5088G>A on transcript NM_080680.3 (MANE Select); coding-DNA position 5088, G replaced by A.
Protein change: p.Thr1696=; no amino-acid change (threonine 1696 retained).
Molecular consequence: synonymous variant.
Genome position (GRCh38, 1-based): chr6:33,163,801, C>T on the plus strand (G>A on the coding strand, the complement: COL11A2 is on the minus strand). VCF-style: chr6-33163801-C-T. GRCh37 (hg19) VCF-style: chr6-33131578-C-T.
Other names: c.4767G>A, p.Thr1589= (NM_080679.3); c.4830G>A, p.Thr1610= (NM_080681.3).
Identifiers: ClinVar variation 504742 (VCV000504742.21), dbSNP rs142893093, ClinGen allele CA3749906.
Genomic context (GRCh38, chr6:33,163,801, plus strand): 5'-TGAGAAGGAGGCATCCAGCACTGGCAGCTGCTCCAGCACAGGCGTTCGCACCTCCAGCAC[C>T]GTCCGGCCTTGCTGTGTCTTCAGGGGGAGACAAGGAAGAAAGTGTGAGCAGGATGGAGGC-3'
Protein context (NP_542411.2, residues 1686-1706): RDGCQTQQGR[Thr1696=]VLEVRTPVLE

ClinVar aggregate classification (germline): Conflicting classifications of pathogenicity. Review status: criteria provided, conflicting classifications (1 of 4 stars). 8 submissions from 6 submitters: Uncertain significance (3); Likely benign (5). Last evaluated 2026-03-01.

Conditions:
Fibrochondrogenesis 2 (FBCG2). Identifiers: Orphanet 2021, MedGen C3281128, MONDO:0013795, OMIM 614524.
Otospondylomegaepiphyseal dysplasia, autosomal dominant (OSMEDA). Also called: Pierre Robin syndrome with fetal chondrodysplasia; COL11A2-Related Stickler Syndrome; Stickler syndrome, type 3. Identifiers: Orphanet 166100, Orphanet 3450, MedGen C1848488, MONDO:0008490, OMIM 184840.
Otospondylomegaepiphyseal dysplasia, autosomal recessive (OSMEDB). Also called: Insley-Astley syndrome; CHONDRODYSTROPHY WITH SENSORINEURAL DEAFNESS. Identifiers: Orphanet 1427, MedGen CN034493, MONDO:0044206, OMIM 215150.

Allele frequency attached by ClinVar (database versions not stated): gnomAD 0.00001 and 0.00003; ExAC 0.00003; gnomAD exomes 0.00004 and 0.00005; TOPMed 0.00004; 1000 Genomes Project 30x 0.00031; 1000 Genomes Project 0.00040.
gnomAD v4.1: 75 of 1,613,020 alleles (0.0046%); highest among the groups gnomAD compares: East Asian, 0.13%; no homozygotes.

Submissions (8):

CeGaT Center for Human Genetics Tuebingen
Classification: Likely benign. Last evaluated: 2026-03-01. Review status: criteria provided, single submitter. Criteria: CeGaT Center For Human Genetics Tuebingen Variant Classification Criteria Version 2. Collection method: clinical testing. Allele origin: germline. Affected: yes. Observed: 1 variant allele.
Comment: COL11A2: BP4, BP7

Labcorp Genetics (formerly Invitae), Labcorp
Classification: Likely benign. Last evaluated: 2025-12-28. Review status: criteria provided, single submitter. Criteria: Invitae Variant Classification Sherloc (09022015). Collection method: clinical testing. Allele origin: germline.

Blueprint Genetics
Classification: Likely benign. Last evaluated: 2024-07-04. Review status: criteria provided, single submitter. Criteria: ACMG Guidelines, 2015. Collection method: clinical testing. Allele origin: germline.

GeneDx
Classification: Likely benign. Last evaluated: 2021-02-05. Review status: criteria provided, single submitter. Criteria: GeneDx Variant Classification (06012015). Collection method: clinical testing. Allele origin: germline. Affected: yes.

Illumina Laboratory Services, Illumina
Classification: Uncertain significance for Otospondylomegaepiphyseal dysplasia, autosomal recessive. Last evaluated: 2018-01-13. Review status: criteria provided, single submitter. Criteria: ICSL Variant Classification Criteria 13 December 2019. Collection method: clinical testing. Allele origin: germline.

Illumina Laboratory Services, Illumina
Classification: Uncertain significance for Otospondylomegaepiphyseal dysplasia, autosomal dominant. Last evaluated: 2018-01-13. Review status: criteria provided, single submitter. Criteria: ICSL Variant Classification Criteria 13 December 2019. Collection method: clinical testing. Allele origin: germline.

Illumina Laboratory Services, Illumina
Classification: Uncertain significance for Fibrochondrogenesis 2. Last evaluated: 2018-01-13. Review status: criteria provided, single submitter. Criteria: ICSL Variant Classification Criteria 13 December 2019. Collection method: clinical testing. Allele origin: germline.

Laboratory for Molecular Medicine, Mass General Brigham Personalized Medicine
Classification: Likely benign. Last evaluated: 2017-08-30. Review status: criteria provided, single submitter. Criteria: LMM Criteria. Collection method: clinical testing. Allele origin: germline. Observed: 1 variant allele.
Comment: p.Thr1696Thr in exon 66 of COL11A2: This variant is not expected to have clinica l significance because it does not alter an amino acid residue and is not locate d within the splice consensus sequence. It has been identified in 6/17134 East A sian chromosomes by the Genome Aggregation Database (gnomAD; dbSNP rs142893093).